The following is an entry in ClinVar:

NM_003922.4(HERC1):c.12555A>G (p.Gly4185=)

Gene: HERC1 (HECT and RLD domain containing E3 ubiquitin protein ligase family member 1; minus strand). Cytogenetic location: 15q22.31.
Variant type: single nucleotide variant.
Coding change: c.12555A>G on transcript NM_003922.4 (MANE Select); coding-DNA position 12555, A replaced by G.
Protein change: p.Gly4185=; no amino-acid change (glycine 4185 retained).
Molecular consequence: synonymous variant.
Genome position (GRCh38, 1-based): chr15:63,634,748, T>C on the plus strand (A>G on the coding strand, the complement: HERC1 is on the minus strand). VCF-style: chr15-63634748-T-C. GRCh37 (hg19) VCF-style: chr15-63926947-T-C.
Identifiers: ClinVar variation 2645428 (VCV002645428.24), dbSNP rs764298552, ClinGen allele CA490703167.

ClinVar aggregate classification (germline): Likely benign (1 of 4 stars; one submission).

Allele frequency attached by ClinVar (database versions not stated): TOPMed below 0.00001.
gnomAD v4.1: 3 of 1,612,704 alleles (0.00019%); highest among the groups gnomAD compares: Non-Finnish European, 0.00025%; no homozygotes.

Submission:

CeGaT Center for Human Genetics Tuebingen
Classification: Likely benign. Last evaluated: 2022-07-01. Review status: criteria provided, single submitter. Criteria: CeGaT Center For Human Genetics Tuebingen Variant Classification Criteria Version 2. Collection method: clinical testing. Allele origin: germline. Affected: yes. Observed: 1 variant allele.
Comment: HERC1: BP4